The following is an entry in ClinVar:

NM_032776.3(JMJD1C):c.1858C>G (p.Pro620Ala)

Gene: JMJD1C (jumonji domain containing 1C; minus strand). Cytogenetic location: 10q21.3.
Variant type: single nucleotide variant.
Coding change: c.1858C>G on transcript NM_032776.3 (MANE Select); coding-DNA position 1858, C replaced by G.
Protein change: p.Pro620Ala; replaces proline 620 with alanine.
Molecular consequence: missense variant. On other transcripts: non-coding transcript variant (1).
Genome position (GRCh38, 1-based): chr10:63,214,309, G>C on the plus strand (C>G on the coding strand, the complement: JMJD1C is on the minus strand). VCF-style: chr10-63214309-G-C. GRCh37 (hg19) VCF-style: chr10-64974069-G-C.
Other names: c.1312C>G, p.Pro438Ala (NM_001282948.2, NM_001318154.2); c.994C>G, p.Pro332Ala (NM_001318153.2); c.1744C>G, p.Pro582Ala (NM_001322252.2); c.1201C>G, p.Pro401Ala (NM_001322254.2, NM_001322258.2); short protein forms P332A, P401A, P620A, P438A, P582A.
Identifiers: ClinVar variation 2886264 (VCV002886264.3), dbSNP rs897181564, ClinGen allele CA208377164.

ClinVar aggregate classification (germline): Uncertain significance (1 of 4 stars; one submission).

Conditions:
Early Myoclonic Encephalopathy. Identifiers: MedGen C0270855.

Allele frequency attached by ClinVar (database versions not stated): gnomAD 0.00001.
gnomAD v4.1: 5 of 1,613,866 alleles (0.00031%); highest among the groups gnomAD compares: African/African-American, 0.0013%; no homozygotes.

Submission:

Labcorp Genetics (formerly Invitae), Labcorp
Classification: Uncertain significance for Early Myoclonic Encephalopathy. Last evaluated: 2023-12-12. Review status: criteria provided, single submitter. Criteria: Invitae Variant Classification Sherloc (09022015). Collection method: clinical testing. Allele origin: germline.
Comment: This sequence change replaces proline, which is neutral and non-polar, with alanine, which is neutral and non-polar, at codon 620 of the JMJD1C protein (p.Pro620Ala). The frequency data for this variant in the population databases is considered unreliable, as metrics indicate poor data quality at this position in the gnomAD database. This variant has not been reported in the literature in individuals affected with JMJD1C-related conditions. Advanced modeling of protein sequence and biophysical properties (such as structural, functional, and spatial information, amino acid conservation, physicochemical variation, residue mobility, and thermodynamic stability) performed at Invitae indicates that this missense variant is not expected to disrupt JMJD1C protein function with a negative predictive value of 80%. In summary, the available evidence is currently insufficient to determine the role of this variant in disease. Therefore, it has been classified as a Variant of Uncertain Significance.